The following is an entry in ClinVar:

NM_145868.2(ANXA11):c.869C>T (p.Thr290Ile)

Gene: ANXA11 (annexin A11; minus strand). Cytogenetic location: 10q22.3.
Variant type: single nucleotide variant.
Coding change: c.869C>T on transcript NM_145868.2 (MANE Select); coding-DNA position 869, C replaced by T.
Protein change: p.Thr290Ile; replaces threonine 290 with isoleucine.
Molecular consequence: missense variant.
Genome position (GRCh38, 1-based): chr10:80,164,133, G>A on the plus strand (C>T on the coding strand, the complement: ANXA11 is on the minus strand). VCF-style: chr10-80164133-G-A. GRCh37 (hg19) VCF-style: chr10-81923889-G-A.
Other names: c.869C>T, p.Thr290Ile (NM_001157.3, NM_001278407.2, NM_001278408.2 and 1 more transcripts); c.770C>T, p.Thr257Ile (NM_001278409.2); short protein forms T257I, T290I.
Identifiers: ClinVar variation 4776632 (VCV004776632.1).
Genomic context (GRCh38, chr10:80,164,133, plus strand): 5'-AATTCTCGGATGTGCTCATTGCTGCGGGAAGCGAGGATCTCAATCAGGCAGGCTTCATCA[G>A]TGCCAACCCCCTGCAGGGGCAGAGAATACAACCAACCATGTGCTTGTTCCAGCAGCCTCA-3'
Protein context (NP_665875.1, residues 280-300): EIKEAIKGVG[Thr290Ile]DEACLIEILA

ClinVar aggregate classification (germline): Uncertain significance (1 of 4 stars; one submission).

gnomAD v4.1: 1 of 1,613,922 alleles (0.000062%); highest among the groups gnomAD compares: Non-Finnish European, 0.000085%; no homozygotes.

Submission:

Labcorp Genetics (formerly Invitae), Labcorp
Classification: Uncertain significance. Last evaluated: 2025-03-05. Review status: criteria provided, single submitter. Criteria: Invitae Variant Classification Sherloc (09022015). Collection method: clinical testing. Allele origin: germline.
Comment: This sequence change replaces threonine, which is neutral and polar, with isoleucine, which is neutral and non-polar, at codon 290 of the ANXA11 protein (p.Thr290Ile). This variant is not present in population databases (gnomAD no frequency). This variant has not been reported in the literature in individuals affected with ANXA11-related conditions. An algorithm developed to predict the effect of missense changes on protein structure and function (PolyPhen-2) suggests that this variant is likely to be disruptive. In summary, the available evidence is currently insufficient to determine the role of this variant in disease. Therefore, it has been classified as a Variant of Uncertain Significance.